The following is an entry in ClinVar:

NM_000217.3(KCNA1):c.142T>C (p.Phe48Leu)

Gene: KCNA1 (potassium voltage-gated channel subfamily A member 1; plus strand). Cytogenetic location: 12p13.32.
Variant type: single nucleotide variant.
Coding change: c.142T>C on transcript NM_000217.3 (MANE Select); coding-DNA position 142, T replaced by C.
Protein change: p.Phe48Leu; replaces phenylalanine 48 with leucine.
Molecular consequence: missense variant.
Genome position (GRCh38, 1-based): chr12:4,911,520, T>C. VCF-style: chr12-4911520-T-C. GRCh37 (hg19) VCF-style: chr12-5020686-T-C.
Other names: short protein forms F48L.
Identifiers: ClinVar variation 4689230 (VCV004689230.1).
Genomic context (GRCh38, chr12:4,911,520, plus strand): 5'-GCCGACCACGACGACCACGAGTGCTGCGAGCGCGTGGTGATCAACATCTCCGGGCTGCGC[T>C]TCGAGACGCAGCTCAAGACCCTGGCGCAGTTCCCCAACACGCTGCTGGGCAACCCTAAGA-3'
Protein context (NP_000208.2, residues 38-58): RVVINISGLR[Phe48Leu]ETQLKTLAQF

ClinVar aggregate classification (germline): Uncertain significance (1 of 4 stars; one submission).

Submission:

Women's Health and Genetics/Laboratory Corporation of America, LabCorp
Classification: Uncertain significance. Last evaluated: 2026-01-20. Review status: criteria provided, single submitter. Criteria: LabCorp Variant Classification Summary - May 2015. Collection method: clinical testing. Allele origin: germline.
Comment: Variant summary: KCNA1 c.142T>C (p.Phe48Leu) results in a non-conservative amino acid change in the encoded protein sequence. Algorithms developed to predict the effect of missense changes on protein structure and function all suggest that this variant is likely to be disruptive. The variant was absent in 251300 control chromosomes. The available data on variant occurrences in the general population are insufficient to allow any conclusion about variant significance. To our knowledge, no occurrence of c.142T>C in individuals affected with KCNA1-related conditions and no experimental evidence demonstrating its impact on protein function have been reported. No submitters have cited clinical-significance assessments for this variant to ClinVar. Based on the evidence outlined above, the variant was classified as uncertain significance.